The following is an entry in ClinVar:

ClinVar aggregate classification (germline): Uncertain significance (1 of 4 stars; one submission).

Conditions:
Mucolipidosis type IV (ML4). Also called: ML IV. Identifiers: Orphanet 578, MedGen C0238286, MONDO:0009653, OMIM 252650.

Allele frequency attached by ClinVar (database versions not stated): gnomAD exomes 0.00001; ExAC 0.00002.
gnomAD v4.1: 4 of 1,614,176 alleles (0.00025%); highest among the groups gnomAD compares: Admixed American, 0.0067%; no homozygotes.

Submission:

Labcorp Genetics (formerly Invitae), Labcorp
Classification: Uncertain significance for Mucolipidosis type IV. Last evaluated: 2021-04-01. Review status: criteria provided, single submitter. Criteria: Invitae Variant Classification Sherloc (09022015). Collection method: clinical testing. Allele origin: germline.
Comment: This sequence change replaces proline with alanine at codon 52 of the MCOLN1 protein (p.Pro52Ala). The proline residue is highly conserved and there is a small physicochemical difference between proline and alanine. This variant is present in population databases (rs764263944, ExAC 0.02%). This variant has not been reported in the literature in individuals with MCOLN1-related disease. Algorithms developed to predict the effect of missense changes on protein structure and function do not agree on the potential impact of this missense change (SIFT: "Deleterious"; PolyPhen-2: "Probably Damaging"; Align-GVGD: "Class C0"). In summary, the available evidence is currently insufficient to determine the role of this variant in disease. Therefore, it has been classified as a Variant of Uncertain Significance.

NM_020533.3(MCOLN1):c.154C>G (p.Pro52Ala)

Gene: MCOLN1 (mucolipin TRP cation channel 1; plus strand). Cytogenetic location: 19p13.2.
Variant type: single nucleotide variant.
Coding change: c.154C>G on transcript NM_020533.3 (MANE Select); coding-DNA position 154, C replaced by G.
Protein change: p.Pro52Ala; replaces proline 52 with alanine.
Molecular consequence: missense variant.
Genome position (GRCh38, 1-based): chr19:7,525,083, C>G. VCF-style: chr19-7525083-C-G. GRCh37 (hg19) VCF-style: chr19-7589969-C-G.
Other names: short protein forms P52A.
Identifiers: ClinVar variation 2056124 (VCV002056124.1), dbSNP rs764263944, ClinGen allele CA9138629.